The following is an entry in ClinVar:

ClinVar aggregate classification (germline): Likely pathogenic (1 of 4 stars; one submission).

Conditions:
GNE myopathy (NM). Also called: MYOPATHY, DISTAL, WITH OR WITHOUT RIMMED VACUOLES; IBM 2; Inclusion body myopathy autosomal recessive; Inclusion body myopathy quadriceps sparing; NONAKA DISTAL MYOPATHY; INCLUSION BODY MYOPATHY, HEREDITARY, AUTOSOMAL RECESSIVE. Identifiers: Orphanet 602, MedGen C1853926, MONDO:0011603, OMIM 605820.

Submission:

Natera, Inc.
Classification: Likely pathogenic for Nonaka myopathy. Last evaluated: 2024-08-05. Review status: criteria provided, single submitter. Criteria: Natera Variant Classification Schema (03/2026). Collection method: clinical testing. Allele origin: germline.
Comment: The c.52-2_52delinsTATTTTGGC variant in GNE is a canonical splice acceptor site variant predicted to affect pre-mRNA splicing, which may result in an abnormal transcript and altered protein product. This variant is expected to result in nonsense mediated decay, truncation, or a dysfunctional protein product. This variant is rare in the general population with a frequency below the threshold expected for the associated phenotype(s). Given the available evidence, this variant is classified as Likely Pathogenic.

NM_005476.7(GNE):c.-42-2_-42delinsTATTTTGGC

Gene: GNE (glucosamine (UDP-N-acetyl)-2-epimerase/N-acetylmannosamine kinase; minus strand). Cytogenetic location: 9p13.3.
Variant type: Indel.
Coding change: c.-42-2_-42delinsTATTTTGGC on transcript NM_005476.7 (MANE Select); the canonical splice acceptor site of the intron before 42 bases upstream of the start codon through 42 bases upstream of the start codon, AGG replaced by TATTTTGGC.
Molecular consequence: splice acceptor variant. On other transcripts: intron variant (3).
Genome position (GRCh38, 1-based): chr9:36,249,397-36,249,399, CCT replaced by GCCAAAATA on the plus strand (AGG replaced by TATTTTGGC on the coding strand, the reverse complement: GNE is on the minus strand). VCF-style: chr9-36249397-CCT-GCCAAAATA. GRCh37 (hg19) VCF-style: chr9-36249394-CCT-GCCAAAATA.
Other names: c.-13-2917_-13-2915delinsTATTTTGGC (NM_001190388.2, NM_001190384.3, NM_001374798.1); c.52-2_52delinsTATTTTGGC (NM_001128227.3); c.-42-2_-42delinsTATTTTGGC (NM_001374797.1, NM_001190383.3).
Identifiers: ClinVar variation 4814613 (VCV004814613.1).